The following is an entry in ClinVar:

ClinVar aggregate classification (germline): Pathogenic (1 of 4 stars; one submission).

Conditions:
Vascular skin disorders.

Submission:

Genetics Laboratory, Great Ormond Street Hospital NHS Foundation Trust, North Thames Genomic Laboratory Hub
Classification: Pathogenic for Vascular skin disorders. Last evaluated: 2026-03-11. Review status: criteria provided, single submitter. Criteria: ACGS Best Practice Guidelines for Variant Classification in Rare Disease 2024 v1.2. Collection method: clinical testing. Allele origin: germline. Affected: yes.
Comment: PS4_supporting, PM2_moderate, PVS1_very-strong

NM_002890.3(RASA1):c.2534_2535insTA (p.Leu845fs)

Genes: CCNH (cyclin H; minus strand), RASA1 (RAS p21 protein activator 1; plus strand). Cytogenetic location: 5q14.3.
Variant type: Insertion.
Coding change: c.2534_2535insTA on transcript NM_002890.3 (MANE Select); coding-DNA positions 2534 to 2535, TA inserted.
Protein change: p.Leu845fs; shifts the reading frame from leucine 845.
Molecular consequence: frameshift variant. On other transcripts: intron variant (1).
Genome position: GRCh38 VCF-style: chr5-87379781-T-TTA. GRCh37 (hg19) VCF-style: chr5-86675598-T-TTA.
Other names: c.2003_2004insTA, p.Leu668fs (NM_022650.3); c.933+15262_933+15263insTA (NM_001364075.2); short protein forms L668fs, L845fs.
Identifiers: ClinVar variation 4850077 (VCV004850077.1).
Genomic context (GRCh38, chr5:87,379,781, plus strand): 5'-ATTCCTTCTTTTAGTTAAGTCCATCAAAGTTAGAAAAAAATGAAGATGTGAACACTAATT[T>TTA]AACACACCTATTGAACATACTTTCAGAGCTTGTGGAGAAAATATTCATGGCTTCAGAAAT-3'